The following is an entry in ClinVar:

ClinVar aggregate classification (germline): Uncertain significance. Review status: criteria provided, multiple submitters, no conflicts (2 of 4 stars). 2 submissions from 2 submitters: Uncertain significance (2). Last evaluated 2018-01-13.

Conditions:
Congenital muscular dystrophy due to partial LAMA2 deficiency. Identifiers: MedGen C1842898.

Allele frequency attached by ClinVar (database versions not stated): ExAC 0.00001; TOPMed 0.00001.
gnomAD v4.1: 25 of 1,613,832 alleles (0.0015%); highest among the groups gnomAD compares: East Asian, 0.053%; no homozygotes.

Submissions (2):

Illumina Laboratory Services, Illumina
Classification: Uncertain significance for Congenital muscular dystrophy due to partial LAMA2 deficiency. Last evaluated: 2018-01-13. Review status: criteria provided, single submitter. Criteria: ICSL Variant Classification Criteria 13 December 2019. Collection method: clinical testing. Allele origin: germline.

GeneDx
Classification: Uncertain significance. Last evaluated: 2017-05-19. Review status: criteria provided, single submitter. Criteria: GeneDx Variant Classification (06012015). Collection method: clinical testing. Allele origin: germline. Affected: yes.
Comment: A variant of uncertain significance has been identified in the LAMA2 gene. The A1945T variant has not been published as a pathogenic variant, nor has it been reported as a benign variant to our knowledge. The A1945T variant is not observed at a significant frequency in large population cohorts (Lek et al., 2016; 1000 Genomes Consortium et al., 2015; Exome Variant Server). The A1945T variant is a non-conservative amino acid substitution, which is likely to impact secondary protein structure as these residues differ in polarity, charge, size and/or other properties. This substitution occurs at a position that is conserved across species, and in silico analysis predicts this variant is probably damaging to the protein structure/function. However, missense variants in nearby residues have not been reported in the Human Gene Mutation Database in association with LAMA2-related disorders (Stenson et al., 2014). Therefore, based on the currently available information, it is unclear whether this variant is a pathogenic variant or a rare benign variant.

NM_000426.4(LAMA2):c.5833G>A (p.Ala1945Thr)

Gene: LAMA2 (laminin subunit alpha 2; plus strand). Cytogenetic location: 6q22.33.
Variant type: single nucleotide variant.
Coding change: c.5833G>A on transcript NM_000426.4 (MANE Select); coding-DNA position 5833, G replaced by A.
Protein change: p.Ala1945Thr; replaces alanine 1945 with threonine.
Molecular consequence: missense variant.
Genome position (GRCh38, 1-based): chr6:129,403,927, G>A. VCF-style: chr6-129403927-G-A. GRCh37 (hg19) VCF-style: chr6-129725072-G-A.
Other names: c.5833G>A, p.Ala1945Thr (NM_001079823.2); short protein forms A1945T.
Identifiers: ClinVar variation 430307 (VCV000430307.6), dbSNP rs3828736, ClinGen allele CA3993995.